The following is an entry in ClinVar:

ClinVar aggregate classification (germline): Benign (1 of 4 stars; one submission).

gnomAD v4.1: 1,251 of 152,298 alleles (0.82%); highest among the groups gnomAD compares: East Asian, 1.6%; 9 homozygotes.

Submission:

CeGaT Center for Human Genetics Tuebingen
Classification: Benign. Last evaluated: 2026-09-01. Review status: criteria provided, single submitter. Criteria: CeGaT Center For Human Genetics Tuebingen Variant Classification Criteria Version 2. Collection method: clinical testing. Allele origin: germline. Affected: yes. Observed: 9 variant alleles.
Comment: GATA3: BS1, BS2

NM_001002295.2(GATA3):c.779-2563G>A

Gene: GATA3 (GATA binding protein 3; plus strand). Cytogenetic location: 10p14.
Variant type: single nucleotide variant.
Coding change: c.779-2563G>A on transcript NM_001002295.2 (MANE Select); 2563 bases into the intron before coding-DNA position 779, G replaced by A.
Molecular consequence: intron variant.
Genome position (GRCh38, 1-based): chr10:8,061,430, G>A. VCF-style: chr10-8061430-G-A. GRCh37 (hg19) VCF-style: chr10-8103393-G-A.
Other names: c.779-2563G>A (NM_001441116.1, NM_001441118.1, NM_001441117.1 and 9 more transcripts); c.779-2566G>A (NM_001441124.1, NM_001441132.1, NM_001441125.1 and 5 more transcripts); c.778+2589G>A (NM_001441134.1); c.-102+922G>A (NM_001441135.1).
Identifiers: ClinVar variation 4083760 (VCV004083760.8).